The following is an entry in ClinVar:

NM_001083962.2(TCF4):c.72+248C>T

Gene: TCF4 (transcription factor 4; minus strand). Cytogenetic location: 18q21.2.
Variant type: single nucleotide variant.
Coding change: c.72+248C>T on transcript NM_001083962.2 (MANE Select); 248 bases into the intron after coding-DNA position 72, C replaced by T.
Molecular consequence: intron variant.
Genome position (GRCh38, 1-based): chr18:55,586,797, G>A on the plus strand (C>T on the coding strand, the complement: TCF4 is on the minus strand). VCF-style: chr18-55586797-G-A. GRCh37 (hg19) VCF-style: chr18-53254028-G-A.
Other names: c.378+248C>T (NM_001243226.3); c.1-1445C>T (NM_001369584.1, NM_001369576.1, NM_001369577.1 and 3 more transcripts); c.72+248C>T (NM_001369571.1, NM_001369567.1, NM_001243228.2 and 8 more transcripts); c.67-1445C>T (NM_001243230.2); c.-1+1241C>T (NM_001369585.1, NM_001369578.1, NM_001369579.1 and 2 more transcripts).
Identifiers: ClinVar variation 672254 (VCV000672254.1), dbSNP rs75754713, ClinGen allele CA15919266.

ClinVar aggregate classification (germline): Benign (1 of 4 stars; one submission).

Allele frequency attached by ClinVar (database versions not stated): 1000 Genomes Project 0.01438; 1000 Genomes Project 30x 0.01452; TOPMed 0.03656; gnomAD 0.03767 and 0.03951.
gnomAD v4.1: 18,380 of 468,280 alleles (3.9%); highest among the groups gnomAD compares: Non-Finnish European, 5.7%; 491 homozygotes.

Submission:

GeneDx
Classification: Benign. Last evaluated: 2018-06-16. Review status: criteria provided, single submitter. Criteria: GeneDx Variant Classification (06012015). Collection method: clinical testing. Allele origin: germline. Affected: yes.
Comment: This variant is considered likely benign or benign based on one or more of the following criteria: it is a conservative change, it occurs at a poorly conserved position in the protein, it is predicted to be benign by multiple in silico algorithms, and/or has population frequency not consistent with disease.